The following is an entry in ClinVar:

NM_000548.5(TSC2):c.3119C>G (p.Ala1040Gly)

Gene: TSC2 (TSC complex subunit 2; plus strand). Cytogenetic location: 16p13.3.
Variant type: single nucleotide variant.
Coding change: c.3119C>G on transcript NM_000548.5 (MANE Select); coding-DNA position 3119, C replaced by G.
Protein change: p.Ala1040Gly; replaces alanine 1040 with glycine.
Molecular consequence: missense variant. On other transcripts: non-coding transcript variant (5).
Genome position (GRCh38, 1-based): chr16:2,079,184, C>G. VCF-style: chr16-2079184-C-G. GRCh37 (hg19) VCF-style: chr16-2129185-C-G.
Other names: c.2987C>G, p.Ala996Gly (NM_001406665.1, NM_001077183.3, NM_001370404.1); c.3080C>G, p.Ala1027Gly (NM_001406667.1); c.3077C>G, p.Ala1026Gly (NM_001406668.1); c.3008C>G, p.Ala1003Gly (NM_001406670.1); c.2978C>G, p.Ala993Gly (NM_001406671.1); c.2975C>G, p.Ala992Gly (NM_001406673.1); c.2972C>G, p.Ala991Gly (NM_001406675.1); c.2969C>G, p.Ala990Gly (NM_001406676.1); and 18 more; short protein forms A1026G, A1040G, A796G, A839G, A840G, A1039G, A548G, A549G.
Identifiers: ClinVar variation 3637215 (VCV003637215.3).

ClinVar aggregate classification (germline): Uncertain significance. Review status: criteria provided, multiple submitters, no conflicts (2 of 4 stars). 2 submissions from 2 submitters: Uncertain significance (2). Last evaluated 2025-11-25.

Conditions:
Tuberous sclerosis 2 (TSC2). Identifiers: Orphanet 805, MedGen C1860707, MONDO:0013199, OMIM 613254.
Hereditary cancer-predisposing syndrome. Also called: Hereditary Cancer Syndrome; Hereditary neoplastic syndrome; Neoplastic Syndromes, Hereditary; Tumor predisposition. Identifiers: Orphanet 140162, MedGen C0027672, MeSH D009386, MONDO:0015356.

Submissions (2):

Ambry Genetics
Classification: Uncertain significance for Hereditary cancer-predisposing syndrome. Last evaluated: 2025-11-25. Review status: criteria provided, single submitter. Criteria: Ambry Variant Classification Scheme 2023. Collection method: clinical testing. Allele origin: germline.
Comment: The p.A1040G variant (also known as c.3119C>G), located in coding exon 26 of the TSC2 gene, results from a C to G substitution at nucleotide position 3119. The alanine at codon 1040 is replaced by glycine, an amino acid with similar properties. This amino acid position is conserved. In addition, this alteration is predicted to be deleterious by in silico analysis. Based on the available evidence, the clinical significance of this variant remains unclear.

Labcorp Genetics (formerly Invitae), Labcorp
Classification: Uncertain significance for Tuberous sclerosis 2. Last evaluated: 2024-09-27. Review status: criteria provided, single submitter. Criteria: Invitae Variant Classification Sherloc (09022015). Collection method: clinical testing. Allele origin: germline.
Comment: This sequence change replaces alanine, which is neutral and non-polar, with glycine, which is neutral and non-polar, at codon 1040 of the TSC2 protein (p.Ala1040Gly). This variant is not present in population databases (gnomAD no frequency). This variant has not been reported in the literature in individuals affected with TSC2-related conditions. Invitae Evidence Modeling of protein sequence and biophysical properties (such as structural, functional, and spatial information, amino acid conservation, physicochemical variation, residue mobility, and thermodynamic stability) indicates that this missense variant is not expected to disrupt TSC2 protein function with a negative predictive value of 95%. In summary, the available evidence is currently insufficient to determine the role of this variant in disease. Therefore, it has been classified as a Variant of Uncertain Significance.